The following is an entry in ClinVar:

ClinVar aggregate classification (germline): Uncertain significance. Review status: criteria provided, multiple submitters, no conflicts (2 of 4 stars). 3 submissions from 3 submitters: Uncertain significance (3). Last evaluated 2025-11-11.

Conditions:
Atypical hemolytic-uremic syndrome. Identifiers: Orphanet 2134, MedGen C2931788, MONDO:0016244.

Allele frequency attached by ClinVar (database versions not stated): ExAC 0.00001; gnomAD exomes 0.00001 and 0.00002; TOPMed 0.00001.
gnomAD v4.1: 38 of 1,614,070 alleles (0.0024%); highest among the groups gnomAD compares: Non-Finnish European, 0.0029%; no homozygotes.

Submissions (3):

Mayo Clinic Laboratories, Mayo Clinic
Classification: Uncertain significance. Last evaluated: 2025-11-11. Review status: criteria provided, single submitter. Criteria: ACMG Guidelines, 2015. Collection method: clinical testing. Allele origin: germline. Observed: 1 variant allele.
Comment: BP4

Labcorp Genetics (formerly Invitae), Labcorp
Classification: Uncertain significance. Last evaluated: 2025-10-26. Review status: criteria provided, single submitter. Criteria: Invitae Variant Classification Sherloc (09022015). Collection method: clinical testing. Allele origin: germline.
Comment: This sequence change replaces isoleucine, which is neutral and non-polar, with valine, which is neutral and non-polar, at codon 970 of the CFH protein (p.Ile970Val). This variant is present in population databases (rs759625279, gnomAD 0.0009%). This missense change has been observed in individual(s) with clinical features of atypical hemolytic uremic syndrome (PMID: 16621965, 17089378, 23996939). ClinVar contains an entry for this variant (Variation ID: 1481850). An algorithm developed to predict the effect of missense changes on protein structure and function (PolyPhen-2) suggests that this variant is likely to be tolerated. In summary, the available evidence is currently insufficient to determine the role of this variant in disease. Therefore, it has been classified as a Variant of Uncertain Significance.

Genomenon, Inc
Classification: Uncertain significance for Atypical hemolytic-uremic syndrome. Last evaluated: 2025-10-02. Review status: criteria provided, single submitter. Criteria: Genomenon Sequence Variant Interpretation Standards - Updated. Collection method: curation. Allele origin: germline. Affected: yes.
Comment: CFH p.Ile970Val (c.2908A>G) is a missense variant that changes the amino acid at residue 970 from Isoleucine to Valine. This variant has been observed in at least one proband affected with atypical hemolytic-uremic syndrome (PMID:23996939;36845135). It is absent or not present at a significant frequency in gnomAD. In silico models agree that this variant is not damaging. In conclusion, we classify CFH p.Ile970Val (c.2908A>G) as a variant of uncertain significance.

Literature cited by the submitters: PubMed 16621965 (cited by Mayo Clinic Laboratories, Mayo Clinic and Labcorp Genetics (formerly Invitae), Labcorp); PubMed 23996939 (cited by 3 submitters); PubMed 17089378 (cited by Labcorp Genetics (formerly Invitae), Labcorp); PubMed 36845135 (cited by Genomenon, Inc).

NM_000186.4(CFH):c.2908A>G (p.Ile970Val)

Gene: CFH (complement factor H; plus strand). Cytogenetic location: 1q31.3.
Variant type: single nucleotide variant.
Coding change: c.2908A>G on transcript NM_000186.4 (MANE Select); coding-DNA position 2908, A replaced by G.
Protein change: p.Ile970Val; replaces isoleucine 970 with valine.
Molecular consequence: missense variant.
Genome position (GRCh38, 1-based): chr1:196,740,744, A>G. VCF-style: chr1-196740744-A-G. GRCh37 (hg19) VCF-style: chr1-196709874-A-G.
Other names: p.Ile970Val; short protein forms I970V.
Identifiers: ClinVar variation 1481850 (VCV001481850.10), dbSNP rs759625279, ClinGen allele CA1305777.